The following is an entry in ClinVar:

ClinVar aggregate classification (germline): Conflicting classifications of pathogenicity. Review status: criteria provided, conflicting classifications (1 of 4 stars). 3 submissions from 3 submitters: Uncertain significance (1); Likely benign (1). 1 of the submissions does not count toward it. Last evaluated 2025-12-02.

Conditions:
Juvenile polyposis syndrome (JPS). Identifiers: Orphanet 2929, MedGen C0345893, MONDO:0017380, OMIM 174900.
BMPR1A-related disorder. Also called: BMPR1A-related condition.

Submissions (4):

Labcorp Genetics (formerly Invitae), Labcorp
Classification: Likely benign for Juvenile polyposis syndrome. Last evaluated: 2025-12-02. Review status: criteria provided, single submitter. Criteria: Invitae Variant Classification Sherloc (09022015). Collection method: clinical testing. Allele origin: germline.

Quest Diagnostics Nichols Institute San Juan Capistrano
Classification: Uncertain significance. Last evaluated: 2023-03-10. Review status: criteria provided, single submitter. Criteria: Quest Diagnostics criteria. Collection method: clinical testing. Allele origin: unknown.
Comment: To the best of our knowledge, the variant has not been reported in the published literature. The frequency of this variant in the general population, 0.000004 (1/251492 chromosomes), is uninformative in assessment of its pathogenicity. Analysis of this variant using software algorithms for the prediction of the effect of nucleotide changes on BMPR1A mRNA splicing yielded inconclusive findings . Based on the available information, we are unable to determine the clinical significance of this variant.

PreventionGenetics, part of Exact Sciences
Classification: Uncertain significance for BMPR1A-related condition. Last evaluated: 2024-08-24. Review status: no assertion criteria provided. Collection method: clinical testing. Allele origin: germline. Not counted in ClinVar's aggregate classification.
Comment: The BMPR1A c.1474-11_1474-10delTT variant is predicted to result in an intronic deletion. To our knowledge, this variant has not been reported in the literature. This variant is predicted to affect a nearby canonical splice site according to an in silico splicing algorithm (SpliceAI, Jaganathan K, et al. 2019. PubMed ID: 30661751). However, the use of computer prediction programs is not equivalent to functional evidence. This variant is reported in 0.00088% of alleles in individuals of European (Non-Finnish) descent in gnomAD and has conflicting interpretations of pathogenicity ranging from likely benign to uncertain. At this time, the clinical significance of this variant is uncertain due to the absence of conclusive functional and genetic evidence.

Dr. Peter K. Rogan Lab, Western University
No classification provided (evidence only). Condition: Glioma susceptibility 1. Review status: no classification provided. Collection method: in vitro. Allele origin: not applicable. Functional consequence: retained intron. Not counted in ClinVar's aggregate classification.

NM_004329.3(BMPR1A):c.1474-11_1474-10del

Gene: BMPR1A (bone morphogenetic protein receptor type 1A; plus strand). Cytogenetic location: 10q23.2.
Variant type: Deletion.
Coding change: c.1474-11_1474-10del on transcript NM_004329.3 (MANE Select); 11 bases into the intron before coding-DNA position 1474 through 10 bases into the intron before coding-DNA position 1474, 2 bases deleted (TT; older notation c.1474-11_1474-10delTT).
Molecular consequence: intron variant.
Genome position (GRCh38, 1-based): chr10:86,923,583-86,923,584, TT deleted; deleting any 2 consecutive bases within chr10:86,923,582-86,923,584 gives the same sequence; the c. name uses the placement nearest the transcript's 3' end. VCF-style (leftmost placement, unchanged base first): chr10-86923581-CTT-C. GRCh37 (hg19) VCF-style: chr10-88683338-CTT-C.
Other names: NC_000010.10:g.88683340_88683341del; c.1474-11_1474-10del (NM_004329.2); c.1474-11_1474-10delTT (NM_004329.2).
Identifiers: ClinVar variation 1580942 (VCV001580942.11), dbSNP rs1447308562, ClinGen allele CA594897275.